The following is an entry in ClinVar:

ClinVar aggregate classification (germline): Uncertain significance (1 of 4 stars; one submission).

Submission:

Labcorp Genetics (formerly Invitae), Labcorp
Classification: Uncertain significance. Last evaluated: 2024-10-16. Review status: criteria provided, single submitter. Criteria: Invitae Variant Classification Sherloc (09022015). Collection method: clinical testing. Allele origin: germline.
Comment: This variant, c.2169_2170insCAC, results in the insertion of 1 amino acid(s) of the TFRC protein (p.Asn723_Gly724insHis), but otherwise preserves the integrity of the reading frame. This variant is present in population databases (no rsID available, gnomAD 0.01%). This variant has not been reported in the literature in individuals affected with TFRC-related conditions. ClinVar contains an entry for this variant (Variation ID: 2067421). Experimental studies and prediction algorithms are not available or were not evaluated, and the functional significance of this variant is currently unknown. In summary, the available evidence is currently insufficient to determine the role of this variant in disease. Therefore, it has been classified as a Variant of Uncertain Significance.

NM_001128148.3(TFRC):c.2169_2170insCAC (p.Asn723_Gly724insHis)

Gene: TFRC (transferrin receptor; minus strand). Cytogenetic location: 3q29.
Variant type: Insertion.
Coding change: c.2169_2170insCAC on transcript NM_001128148.3 (MANE Select); coding-DNA positions 2169 to 2170, CAC inserted.
Protein change: p.Asn723_Gly724insHis.
Molecular consequence: inframe insertion.
Genome position: GRCh38 VCF-style: chr3-196052055-C-CGTG. GRCh37 (hg19) VCF-style: chr3-195778926-C-CGTG.
Other names: c.1926_1927insCAC, p.Asn642_Gly643insHis (NM_001313965.2); c.1323_1324insCAC, p.Asn441_Gly442insHis (NM_001313966.2); c.2169_2170insCAC, p.Asn723_Gly724insHis (NM_003234.4).
Identifiers: ClinVar variation 2067421 (VCV002067421.4), dbSNP rs1260465817, ClinGen allele CA355558123.